The following is an entry in ClinVar:

NM_020921.4(NIN):c.6372A>G (p.Pro2124=)

Gene: NIN (ninein; minus strand). Cytogenetic location: 14q22.1.
Variant type: single nucleotide variant.
Coding change: c.6372A>G on transcript NM_020921.4 (MANE Select); coding-DNA position 6372, A replaced by G.
Protein change: p.Pro2124=; no amino-acid change (proline 2124 retained).
Molecular consequence: synonymous variant.
Genome position (GRCh38, 1-based): chr14:50,723,493, T>C on the plus strand (A>G on the coding strand, the complement: NIN is on the minus strand). VCF-style: chr14-50723493-T-C. GRCh37 (hg19) VCF-style: chr14-51190211-T-C.
Identifiers: ClinVar variation 797113 (VCV000797113.28), dbSNP rs746511867, ClinGen allele CA7180912.

ClinVar aggregate classification (germline): Likely benign. Review status: criteria provided, multiple submitters, no conflicts (2 of 4 stars). 2 submissions from 2 submitters: Likely benign (2). Last evaluated 2025-02-16.

Allele frequency attached by ClinVar (database versions not stated): gnomAD exomes 0.00002 and 0.00001; TOPMed 0.00002; ExAC 0.00001; gnomAD 0.00002.
gnomAD v4.1: 15 of 1,612,962 alleles (0.00093%); highest among the groups gnomAD compares: Middle Eastern, 0.018%; no homozygotes.

Submissions (2):

Labcorp Genetics (formerly Invitae), Labcorp
Classification: Likely benign. Last evaluated: 2025-02-16. Review status: criteria provided, single submitter. Criteria: Invitae Variant Classification Sherloc (09022015). Collection method: clinical testing. Allele origin: germline.

CeGaT Center for Human Genetics Tuebingen
Classification: Likely benign. Last evaluated: 2023-04-01. Review status: criteria provided, single submitter. Criteria: CeGaT Center For Human Genetics Tuebingen Variant Classification Criteria Version 2. Collection method: clinical testing. Allele origin: germline. Affected: yes. Observed: 1 variant allele.
Comment: NIN: BP4, BP7